The following is an entry in ClinVar:

NM_001351132.2(PEX5):c.492G>A (p.Leu164=)

Gene: PEX5 (peroxisomal biogenesis factor 5; plus strand). Cytogenetic location: 12p13.31.
Variant type: single nucleotide variant.
Coding change: c.492G>A on transcript NM_001351132.2 (MANE Select); coding-DNA position 492, G replaced by A.
Protein change: p.Leu164=; no amino-acid change (leucine 164 retained).
Molecular consequence: synonymous variant.
Genome position (GRCh38, 1-based): chr12:7,199,054, G>A. VCF-style: chr12-7199054-G-A. GRCh37 (hg19) VCF-style: chr12-7351650-G-A.
Other names: c.492G>A, p.Leu164= (NM_000319.5, NM_001131024.2, NM_001131025.2 and 19 more transcripts); c.537G>A, p.Leu179= (NM_001131023.2, NM_001351135.3, NM_001351138.2).
Identifiers: ClinVar variation 740876 (VCV000740876.11), dbSNP rs779720569, ClinGen allele CA6426154.

ClinVar aggregate classification (germline): Likely benign. Review status: criteria provided, multiple submitters, no conflicts (2 of 4 stars). 3 submissions from 3 submitters: Likely benign (3). Last evaluated 2025-11-05.

Conditions:
Peroxisome biogenesis disorder 2B (PBD2B). Identifiers: Orphanet 44, MedGen C3550234, MONDO:0008736, OMIM 202370.
PEX5-related disorder. Also called: PEX5-related condition; PEX5-Related Disorders.

Allele frequency attached by ClinVar (database versions not stated): TOPMed below 0.00001; gnomAD exomes 0.00001 and 0.00003; ExAC 0.00002.
gnomAD v4.1: 8 of 1,610,346 alleles (0.0005%); highest among the groups gnomAD compares: Admixed American, 0.013%; no homozygotes.

Submissions (3):

Labcorp Genetics (formerly Invitae), Labcorp
Classification: Likely benign for Peroxisome biogenesis disorder 2B. Last evaluated: 2025-11-05. Review status: criteria provided, single submitter. Criteria: Invitae Variant Classification Sherloc (09022015). Collection method: clinical testing. Allele origin: germline.

PreventionGenetics, part of Exact Sciences
Classification: Likely benign for PEX5-related condition. Last evaluated: 2025-06-25. Review status: criteria provided, single submitter. Criteria: ACMG Guidelines, 2015. Collection method: clinical testing. Allele origin: germline.
Comment: This variant is classified as likely benign based on ACMG/AMP sequence variant interpretation guidelines (Richards et al. 2015 PMID: 25741868, with internal and published modifications).

Blueprint Genetics
Classification: Likely benign. Last evaluated: 2021-02-25. Review status: criteria provided, single submitter. Criteria: ACMG Guidelines, 2015. Collection method: clinical testing. Allele origin: germline.